The following is an entry in ClinVar:

NM_003737.4(DCHS1):c.2729G>A (p.Gly910Glu)

Gene: DCHS1 (dachsous cadherin-related 1; minus strand). Cytogenetic location: 11p15.4.
Variant type: single nucleotide variant.
Coding change: c.2729G>A on transcript NM_003737.4 (MANE Select); coding-DNA position 2729, G replaced by A.
Protein change: p.Gly910Glu; replaces glycine 910 with glutamic acid.
Molecular consequence: missense variant.
Genome position (GRCh38, 1-based): chr11:6,632,783, C>T on the plus strand (G>A on the coding strand, the complement: DCHS1 is on the minus strand). VCF-style: chr11-6632783-C-T. GRCh37 (hg19) VCF-style: chr11-6654014-C-T.
Other names: short protein forms G910E.
Identifiers: ClinVar variation 4692011 (VCV004692011.1).

ClinVar aggregate classification (germline): Uncertain significance (1 of 4 stars; one submission).

Submission:

Labcorp Genetics (formerly Invitae), Labcorp
Classification: Uncertain significance. Last evaluated: 2025-06-01. Review status: criteria provided, single submitter. Criteria: Invitae Variant Classification Sherloc (09022015). Collection method: clinical testing. Allele origin: germline.
Comment: This sequence change replaces glycine, which is neutral and non-polar, with glutamic acid, which is acidic and polar, at codon 910 of the DCHS1 protein (p.Gly910Glu). This variant is present in population databases (no rsID available, gnomAD 0.002%). This variant has not been reported in the literature in individuals affected with DCHS1-related conditions. Invitae Evidence Modeling of protein sequence and biophysical properties (such as structural, functional, and spatial information, amino acid conservation, physicochemical variation, residue mobility, and thermodynamic stability) indicates that this missense variant is not expected to disrupt DCHS1 protein function with a negative predictive value of 80%. In summary, the available evidence is currently insufficient to determine the role of this variant in disease. Therefore, it has been classified as a Variant of Uncertain Significance.